The following is an entry in ClinVar:

ClinVar aggregate classification (germline): Uncertain significance. Review status: criteria provided, multiple submitters, no conflicts (2 of 4 stars). 4 submissions from 4 submitters: Uncertain significance (4). Last evaluated 2025-12-10.

Conditions:
Epidermolysis bullosa simplex 5B, with muscular dystrophy (EBS5B). Also called: Epidermolysis bullosa simplex with muscular dystrophy; EPIDERMOLYSIS BULLOSA SIMPLEX AND LIMB-GIRDLE MUSCULAR DYSTROPHY. Identifiers: Orphanet 257, MedGen C2931072, MONDO:0009181, OMIM 226670.
Autosomal recessive limb-girdle muscular dystrophy type 2Q (LGMDR17). Also called: MUSCULAR DYSTROPHY, LIMB-GIRDLE, AUTOSOMAL RECESSIVE 17. Identifiers: Orphanet 254361, MedGen C3150989, MONDO:0013390, OMIM 613723.
Epidermolysis bullosa simplex 5C, with pyloric atresia (EBS5C). Also called: PLEC-Related Epidermolysis Bullosa with Pyloric Atresia; PLEC1-Related Epidermolysis Bullosa with Pyloric Atresia; Epidermolysis bullosa simplex with pyloric atresia. Identifiers: Orphanet 158684, MedGen C2677349, MONDO:0012807, OMIM 612138.
Epidermolysis bullosa simplex, Ogna type (EBS5A). Also called: Pidermolysis bullosa simplex 5A, Ogna type; EPIDERMOLYSIS BULLOSA SIMPLEX 5A, OGNA TYPE. Identifiers: Orphanet 79401, MedGen C0432317, MONDO:0007555, OMIM 131950.
Epidermolysis bullosa simplex with nail dystrophy (EBS5D). Identifiers: MedGen C4225309, MONDO:0014661, OMIM 616487.
PLEC-related disorder. Also called: PLEC-related condition; PLEC-related disorders.

Allele frequency attached by ClinVar (database versions not stated): gnomAD 0.00022; 1000 Genomes Project 30x 0.00031; TOPMed 0.00035; 1000 Genomes Project 0.00040; ESP Exome Variant Server 0.00041.
gnomAD v4.1: 109 of 1,572,714 alleles (0.0069%); highest among the groups gnomAD compares: African/African-American, 0.14%; no homozygotes.

Submissions (4):

Labcorp Genetics (formerly Invitae), Labcorp
Classification: Uncertain significance for Autosomal recessive limb-girdle muscular dystrophy type 2Q; Epidermolysis bullosa simplex, Ogna type; Epidermolysis bullosa simplex with nail dystrophy; Epidermolysis bullosa simplex 5C, with pyloric atresia; Epidermolysis bullosa simplex 5B, with muscular dystrophy. Last evaluated: 2025-12-10. Review status: criteria provided, single submitter. Criteria: Invitae Variant Classification Sherloc (09022015). Collection method: clinical testing. Allele origin: germline.
Comment: This sequence change replaces valine, which is neutral and non-polar, with leucine, which is neutral and non-polar, at codon 839 of the PLEC protein (p.Val839Leu). This variant is present in population databases (rs372398638, gnomAD 0.1%). This variant has not been reported in the literature in individuals affected with PLEC-related conditions. ClinVar contains an entry for this variant (Variation ID: 653205). Experimental studies and prediction algorithms are not available or were not evaluated, and the functional significance of this variant is currently unknown. In summary, the available evidence is currently insufficient to determine the role of this variant in disease. Therefore, it has been classified as a Variant of Uncertain Significance.

Mayo Clinic Laboratories, Mayo Clinic
Classification: Uncertain significance. Last evaluated: 2025-08-24. Review status: criteria provided, single submitter. Criteria: ACMG Guidelines, 2015. Collection method: clinical testing. Allele origin: germline. Observed: 1 variant allele.
Comment: BS1

PreventionGenetics, part of Exact Sciences
Classification: Uncertain significance for PLEC-related condition. Last evaluated: 2025-02-17. Review status: criteria provided, single submitter. Criteria: ACMG Guidelines, 2015. Collection method: clinical testing. Allele origin: germline.
Comment: The PLEC c.2515G>C variant is predicted to result in the amino acid substitution p.Val839Leu. To our knowledge, this variant has not been reported in the literature. This variant is reported in 0.10% of alleles in individuals of African descent in gnomAD. Although we suspect that this variant may be benign, at this time, the clinical significance of this variant is uncertain due to the absence of conclusive functional and genetic evidence.

Revvity Omics, Revvity
Classification: Uncertain significance. Last evaluated: 2021-01-20. Review status: criteria provided, single submitter. Criteria: ACMG Guidelines, 2015. Collection method: clinical testing. Allele origin: germline.

NM_201384.3(PLEC):c.2434G>C (p.Val812Leu)

Gene: PLEC (plectin; minus strand). Cytogenetic location: 8q24.3.
Variant type: single nucleotide variant.
Coding change: c.2434G>C on transcript NM_201384.3 (MANE Select); coding-DNA position 2434, G replaced by C.
Protein change: p.Val812Leu; replaces valine 812 with leucine.
Molecular consequence: missense variant.
Genome position (GRCh38, 1-based): chr8:143,930,407, C>G on the plus strand (G>C on the coding strand, the complement: PLEC is on the minus strand). VCF-style: chr8-143930407-C-G. GRCh37 (hg19) VCF-style: chr8-145004575-C-G.
Other names: p.Val839Leu; c.2515G>C (NM_000445.3); c.2515G>C, p.Val839Leu (NM_000445.5); c.2392G>C, p.Val798Leu (NM_201378.4); c.2368G>C, p.Val790Leu (NM_201379.3); c.2845G>C, p.Val949Leu (NM_201380.4); c.2338G>C, p.Val780Leu (NM_201381.3); c.2434G>C, p.Val812Leu (NM_201382.4); and 1 more; short protein forms V839L, V780L, V798L, V812L, V949L, V790L, V816L.
Identifiers: ClinVar variation 653205 (VCV000653205.11), dbSNP rs372398638, ClinGen allele CA4927537.